The following is an entry in ClinVar:

NM_004329.3(BMPR1A):c.1459T>C (p.Trp487Arg)

Gene: BMPR1A (bone morphogenetic protein receptor type 1A; plus strand). Cytogenetic location: 10q23.2.
Variant type: single nucleotide variant.
Coding change: c.1459T>C on transcript NM_004329.3 (MANE Select); coding-DNA position 1459, T replaced by C.
Protein change: p.Trp487Arg; replaces tryptophan 487 with arginine.
Molecular consequence: missense variant.
Genome position (GRCh38, 1-based): chr10:86,923,492, T>C. VCF-style: chr10-86923492-T-C. GRCh37 (hg19) VCF-style: chr10-88683249-T-C.
Other names: short protein forms W487R.
Identifiers: ClinVar variation 576024 (VCV000576024.14), dbSNP rs112883778, ClinGen allele CA211211624.
Genomic context (GRCh38, chr10:86,923,492, plus strand): 5'-TACGAAGATATGCGTGAGGTTGTGTGTGTCAAACGTTTGCGGCCAATTGTGTCTAATCGG[T>C]GGAACAGTGATGAAGTGAGTGGAACTCAGTCCCCTGAAGAAGTGATTCGTAAATGCCACC-3'
Protein context (NP_004320.2, residues 477-497): KRLRPIVSNR[Trp487Arg]NSDECLRAVL

ClinVar aggregate classification (germline): Uncertain significance. Review status: criteria provided, multiple submitters, no conflicts (2 of 4 stars). 3 submissions from 3 submitters: Uncertain significance (3). Last evaluated 2024-03-10.

Conditions:
Hereditary cancer-predisposing syndrome. Also called: Hereditary neoplastic syndrome; Tumor predisposition; Hereditary Cancer Syndrome; Neoplastic Syndromes, Hereditary. Identifiers: Orphanet 140162, MedGen C0027672, MeSH D009386, MONDO:0015356.
Juvenile polyposis syndrome (JPS). Identifiers: Orphanet 2929, MedGen C0345893, MONDO:0017380, OMIM 174900.

Allele frequency attached by ClinVar (database versions not stated): gnomAD exomes below 0.00001; gnomAD 0.00001.
gnomAD v4.1: 2 of 1,614,036 alleles (0.00012%); highest among the groups gnomAD compares: African/African-American, 0.0027%; no homozygotes.

Submissions (3):

Labcorp Genetics (formerly Invitae), Labcorp
Classification: Uncertain significance for Juvenile polyposis syndrome. Last evaluated: 2024-03-10. Review status: criteria provided, single submitter. Criteria: Invitae Variant Classification Sherloc (09022015). Collection method: clinical testing. Allele origin: germline.
Comment: This sequence change replaces tryptophan, which is neutral and slightly polar, with arginine, which is basic and polar, at codon 487 of the BMPR1A protein (p.Trp487Arg). This variant is not present in population databases (gnomAD no frequency). This variant has not been reported in the literature in individuals affected with BMPR1A-related conditions. ClinVar contains an entry for this variant (Variation ID: 576024). Advanced modeling performed at Invitae incorporating data from internal and/or published experimental studies (Invitae) indicates that this missense variant is not expected to disrupt BMPR1A function with a negative predictive value of 95%. Experimental studies are conflicting or provide insufficient evidence to determine the effect of this variant on BMPR1A function (PMID: 21203531). In summary, the available evidence is currently insufficient to determine the role of this variant in disease. Therefore, it has been classified as a Variant of Uncertain Significance.

Ambry Genetics
Classification: Uncertain significance for Hereditary cancer-predisposing syndrome. Last evaluated: 2022-03-02. Review status: criteria provided, single submitter. Criteria: Ambry Variant Classification Scheme 2023. Collection method: clinical testing. Allele origin: germline.
Comment: The p.W487R variant (also known as c.1459T>C), located in coding exon 10 of the BMPR1A gene, results from a T to C substitution at nucleotide position 1459. The tryptophan at codon 487 is replaced by arginine, an amino acid with dissimilar properties. Structural analyses have demonstrated that this alteration is anticipated to result in a decrease in structural stability (Ambry internal data; Islam MJ et al. Comput Biol Chem, 2019 Jun;80:31-45). This amino acid position is highly conserved in available vertebrate species. In addition, this alteration is predicted to be deleterious by in silico analysis. Since supporting evidence is limited at this time, the clinical significance of this alteration remains unclear.

Color Diagnostics, LLC DBA Color Health
Classification: Uncertain significance for Hereditary cancer-predisposing syndrome. Last evaluated: 2020-11-30. Review status: criteria provided, single submitter. Criteria: ACMG Guidelines, 2015. Collection method: clinical testing. Allele origin: germline.
Comment: This missense variant replaces tryptophan with arginine at codon 487 of the BMPR1A protein. Computational prediction is inconclusive regarding the impact of this variant on protein structure and function (internally defined REVEL score threshold 0.5 < inconclusive < 0.7, PMID: 27666373). Functional studies have shown that this variant resulted in reduced expression of a target element (PMID: 21203531). To our knowledge, this variant has not been reported in individuals affected with hereditary cancer in the literature. This variant has not been identified in the general population by the Genome Aggregation Database (gnomAD). The available evidence is insufficient to determine the role of this variant in disease conclusively. Therefore, this variant is classified as a Variant of Uncertain Significance.

Literature cited by the submitters: PubMed 21203531 (cited by Labcorp Genetics (formerly Invitae), Labcorp); PubMed 30884445 (cited by Ambry Genetics).